The following is an entry in ClinVar:

NM_002224.4(ITPR3):c.6341T>G (p.Leu2114Arg)

Gene: ITPR3 (inositol 1,4,5-trisphosphate receptor type 3; plus strand). Cytogenetic location: 6p21.31.
Variant type: single nucleotide variant.
Coding change: c.6341T>G on transcript NM_002224.4 (MANE Select); coding-DNA position 6341, T replaced by G.
Protein change: p.Leu2114Arg; replaces leucine 2114 with arginine.
Molecular consequence: missense variant.
Genome position (GRCh38, 1-based): chr6:33,688,133, T>G. VCF-style: chr6-33688133-T-G. GRCh37 (hg19) VCF-style: chr6-33655910-T-G.
Other names: short protein forms L2114R.
Identifiers: ClinVar variation 5039485 (VCV005039485.1).

ClinVar aggregate classification (germline): Likely benign (1 of 4 stars; one submission).

gnomAD v4.1: 223 of 1,613,998 alleles (0.014%); highest among the groups gnomAD compares: Non-Finnish European, 0.018%; no homozygotes.

Submission:

CeGaT Center for Human Genetics Tuebingen
Classification: Likely benign. Last evaluated: 2026-07-01. Review status: criteria provided, single submitter. Criteria: CeGaT Center For Human Genetics Tuebingen Variant Classification Criteria Version 2. Collection method: clinical testing. Allele origin: germline. Affected: yes. Observed: 1 variant allele.
Comment: ITPR3: BS1